The following is an entry in ClinVar:

NM_003105.6(SORL1):c.5773G>A (p.Val1925Met)

Gene: SORL1 (sortilin related receptor 1; plus strand). Cytogenetic location: 11q24.1.
Variant type: single nucleotide variant.
Coding change: c.5773G>A on transcript NM_003105.6 (MANE Select); coding-DNA position 5773, G replaced by A.
Protein change: p.Val1925Met; replaces valine 1925 with methionine.
Molecular consequence: missense variant.
Genome position (GRCh38, 1-based): chr11:121,619,801, G>A. VCF-style: chr11-121619801-G-A. GRCh37 (hg19) VCF-style: chr11-121490510-G-A.
Other names: short protein forms V1925M.
Identifiers: ClinVar variation 1905779 (VCV001905779.5), dbSNP rs2497009057, ClinGen allele CA383043386.
Genomic context (GRCh38, chr11:121,619,801, plus strand): 5'-CTTGGGCTTCAGGTCCGTGTAGTGGTACCCTACCAGGGGCCATCCTCTGACTACGTTGTA[G>A]TGAAGATGATCCCGGACAGCAGGCTTCCACCCCGTCACCTGCATGTGGTTCATACGGGCA-3'
Protein context (NP_003096.2, residues 1915-1935): YQGPSSDYVV[Val1925Met]KMIPDSRLPP

ClinVar aggregate classification (germline): Uncertain significance (1 of 4 stars; one submission).

Allele frequency attached by ClinVar (database versions not stated): gnomAD exomes below 0.00001.
gnomAD v4.1: 1 of 1,614,162 alleles (0.000062%); highest among the groups gnomAD compares: Admixed American, 0.0017%; no homozygotes.

Submission:

Labcorp Genetics (formerly Invitae), Labcorp
Classification: Uncertain significance. Last evaluated: 2022-05-25. Review status: criteria provided, single submitter. Criteria: Invitae Variant Classification Sherloc (09022015). Collection method: clinical testing. Allele origin: germline.
Comment: This sequence change replaces valine, which is neutral and non-polar, with methionine, which is neutral and non-polar, at codon 1925 of the SORL1 protein (p.Val1925Met). Algorithms developed to predict the effect of missense changes on protein structure and function are either unavailable or do not agree on the potential impact of this missense change (SIFT: "Deleterious"; PolyPhen-2: "Probably Damaging"; Align-GVGD: "Class C0"). In summary, the available evidence is currently insufficient to determine the role of this variant in disease. Therefore, it has been classified as a Variant of Uncertain Significance. This variant is not present in population databases (gnomAD no frequency). This variant has not been reported in the literature in individuals affected with SORL1-related conditions.